The following is an entry in ClinVar:

NM_000192.3(TBX5):c.-449G>C

Genes: TBX5 (T-box transcription factor 5; minus strand), TBX5-AS1 (TBX5 antisense RNA 1; plus strand). Cytogenetic location: 12q24.21.
Variant type: single nucleotide variant.
Coding change: c.-449G>C on transcript NM_000192.3; 449 bases upstream of the start codon, G replaced by C.
Molecular consequence: 5 prime UTR variant. On other transcripts: non-coding transcript variant (1).
Genome position (GRCh38, 1-based): chr12:114,408,224, C>G on the plus strand (G>C on the coding strand, the complement: TBX5 is on the minus strand). VCF-style: chr12-114408224-C-G. GRCh37 (hg19) VCF-style: chr12-114846029-C-G.
Identifiers: ClinVar variation 307317 (VCV000307317.7), dbSNP rs148864662, ClinGen allele CA10636554.

ClinVar aggregate classification (germline): Benign (1 of 4 stars; one submission).

Conditions:
Holt-Oram syndrome (HOS). Also called: TBX5-Related Holt-Oram Syndrome; Ventriculo-radial syndrome; Cardiac-limb syndrome; Heart-hand syndrome, type 1. Identifiers: Orphanet 392, MedGen C0265264, MONDO:0007732, OMIM 142900.

Allele frequency attached by ClinVar (database versions not stated): 1000 Genomes Project 0.00479; TOPMed 0.00499; gnomAD 0.00428 and 0.00454; 1000 Genomes Project 30x 0.00468.
gnomAD v4.1: 1,081 of 985,124 alleles (0.11%); highest among the groups gnomAD compares: African/African-American, 1.5%; 4 homozygotes.

Submission:

Illumina Laboratory Services, Illumina
Classification: Benign for Holt-Oram syndrome. Last evaluated: 2018-01-12. Review status: criteria provided, single submitter. Criteria: ICSL Variant Classification Criteria 13 December 2019. Collection method: clinical testing. Allele origin: germline.
Comment: This variant was observed in the ICSL laboratory as part of a predisposition screen in an ostensibly healthy population. It had not been previously curated by ICSL or reported in the Human Gene Mutation Database (HGMD: prior to June 1st, 2018), and was therefore a candidate for classification through an automated scoring system. Utilizing variant allele frequency, disease prevalence and penetrance estimates, and inheritance mode, an automated score was calculated to assess if this variant is too frequent to cause the disease. Based on the score and internal cut-off values, a variant classified as benign is not then subjected to further curation. The score for this variant resulted in a classification of benign for this disease.